The following is an entry in ClinVar:

ClinVar aggregate classification (germline): Conflicting classifications of pathogenicity. Review status: criteria provided, conflicting classifications (1 of 4 stars). 4 submissions from 4 submitters: Likely pathogenic (2); Uncertain significance (1). 1 of the submissions does not count toward it. Last evaluated 2025-06-11.

Conditions:
RYR1-related disorder. Also called: RYR1-related disorders; RYR1-related condition. Identifiers: MedGen CN239331.
Malignant hyperthermia, susceptibility to, 1 (MHS1). Also called: RYR1-Related Malignant Hyperthermia Susceptibility; Malignant hyperthermia suceptibility 1; Anesthesia related hyperthermia; Malignant hyperpyrexia; Fulminating hyperpyrexia; Pharmacogenic myopathy. Identifiers: Orphanet 423, MedGen C2930980, MONDO:0007783, OMIM 145600.

Allele frequency attached by ClinVar (database versions not stated): gnomAD exomes below 0.00001.

Submissions (4):

GeneDx
Classification: Likely pathogenic. Last evaluated: 2025-06-11. Review status: criteria provided, single submitter. Criteria: GeneDx Variant Classification Process June 2021. Collection method: clinical testing. Allele origin: germline. Affected: yes.
Comment: Canonical splice site variant predicted to result in a null allele in a gene for which loss of function is a known mechanism of disease, and in vitro functional studies show a splice effect resulting in multiple aberrant transcripts (PMID: 18253926); Not observed at significant frequency in large population cohorts (gnomAD); Previously reported with a second RYR1 variant in probands with myopathy, including hypotonia, contractures, and muscle weakness; phase was not reported in some cases (PMID: 18253926, 29417091, 33060286); This variant is associated with the following publications: (PMID: 18253926, 29417091, 33060286)

All of Us Research Program, National Institutes of Health
Classification: Uncertain significance for Malignant hyperthermia, susceptibility to, 1. Last evaluated: 2023-06-26. Review status: criteria provided, single submitter. Criteria: ACMG Guidelines, 2015. Collection method: clinical testing. Allele origin: germline. Inheritance: Autosomal dominant inheritance. Observed: 1 variant allele, 1 heterozygote.
Comment: This variant causes a G to T nucleotide substitution at the -1 position of intron 102 of the RYR1 gene. Splice site prediction tools suggest that this variant may have a significant impact on RNA splicing. Although this prediction has not been confirmed in published RNA studies, this variant is expected to result in an absent or disrupted protein product. This variant has not been reported in individuals affected with autosomal dominant malignant hyperthermia in the literature, although it is associated with other phenotype(s) (ClinVar variation ID: 136839; and PMIDs: 18253926, 29417091, 33060286). Loss of RYR1 function due to haploinsufficiency is associated with congenital myopathy, but it is not an established disease mechanism for autosomal dominant malignant hyperthermia susceptibility. This variant has not been identified in the general population by the Genome Aggregation Database (gnomAD). Due to insufficient evidence, this variant is classified as a Variant of Uncertain Significance for autosomal dominant malignant hyperthermia.

This study involves interpretation of variants in research participants for the purpose of population health screening. Participant phenotype was not available at the time of variant classification. Additional details can be found in publication PMID: 35346344, PMCID: PMC8962531

Labcorp Genetics (formerly Invitae), Labcorp
Classification: Likely pathogenic for RYR1-related disorder. Last evaluated: 2022-08-31. Review status: criteria provided, single submitter. Criteria: Invitae Variant Classification Sherloc (09022015). Collection method: clinical testing. Allele origin: germline.
Comment: ClinVar contains an entry for this variant (Variation ID: 133092). Studies have shown that disruption of this splice site alters RYR1 gene expression (PMID: 18253926). Studies have shown that disruption of this splice site is associated with altered splicing resulting in multiple RNA products (PMID: 18253926). This sequence change affects an acceptor splice site in intron 102 of the RYR1 gene. It is expected to disrupt RNA splicing. Variants that disrupt the donor or acceptor splice site typically lead to a loss of protein function (PMID: 16199547), and loss-of-function variants in RYR1 are known to be pathogenic (PMID: 20583297, 20839240, 23919265, 28818389). This variant is not present in population databases (gnomAD no frequency). Disruption of this splice site has been observed in individual(s) with RYR1-related conditions (PMID: 18253926, 25960145, 29417091). For these reasons, this variant has been classified as Pathogenic.

RYR1 database
No classification provided. Review status: no classification provided. Collection method: not provided. Allele origin: unknown. Not counted in ClinVar's aggregate classification.

Literature cited by the submitters: PubMed 18253926 (cited by All of Us Research Program, National Institutes of Health and Labcorp Genetics (formerly Invitae), Labcorp); PubMed 29417091 (cited by All of Us Research Program, National Institutes of Health and Labcorp Genetics (formerly Invitae), Labcorp); PubMed 33060286 (cited by All of Us Research Program, National Institutes of Health); PubMed 16199547 (cited by Labcorp Genetics (formerly Invitae), Labcorp); PubMed 20583297 (cited by Labcorp Genetics (formerly Invitae), Labcorp); PubMed 20839240 (cited by Labcorp Genetics (formerly Invitae), Labcorp); PubMed 23919265 (cited by Labcorp Genetics (formerly Invitae), Labcorp); PubMed 28818389 (cited by Labcorp Genetics (formerly Invitae), Labcorp); PubMed 25960145 (cited by Labcorp Genetics (formerly Invitae), Labcorp).

NM_000540.3(RYR1):c.14804-1G>T

Gene: RYR1 (ryanodine receptor 1; plus strand). Cytogenetic location: 19q13.2.
Variant type: single nucleotide variant.
Coding change: c.14804-1G>T on transcript NM_000540.3 (MANE Select); the canonical splice acceptor site of the intron before coding-DNA position 14804, G replaced by T.
Molecular consequence: splice acceptor variant.
Genome position (GRCh38, 1-based): chr19:38,585,937, G>T. VCF-style: chr19-38585937-G-T. GRCh37 (hg19) VCF-style: chr19-39076577-G-T.
Other names: r.[14804_14868del,14803_14804ins14803+1_14803+14; 14804_14813del,14803_14804ins14803+1_14803+14; 14804_14827del,14804-1g>t; 14803_14804ins]; c.14789-1G>T (NM_001042723.2).
Identifiers: ClinVar variation 133092 (VCV000133092.8), dbSNP rs193922894, ClinGen allele CA024259.